The following is an entry in ClinVar:

ClinVar aggregate classification (germline): Uncertain significance (1 of 4 stars; one submission).

Allele frequency attached by ClinVar (database versions not stated): ExAC 0.00001.
gnomAD v4.1: 6 of 1,613,918 alleles (0.00037%); highest among the groups gnomAD compares: Non-Finnish European, 0.00034%; no homozygotes.

Submission:

Labcorp Genetics (formerly Invitae), Labcorp
Classification: Uncertain significance. Last evaluated: 2023-02-11. Review status: criteria provided, single submitter. Criteria: Invitae Variant Classification Sherloc (09022015). Collection method: clinical testing. Allele origin: germline.
Comment: In summary, the available evidence is currently insufficient to determine the role of this variant in disease. Therefore, it has been classified as a Variant of Uncertain Significance. Algorithms developed to predict the effect of missense changes on protein structure and function (SIFT, PolyPhen-2, Align-GVGD) all suggest that this variant is likely to be disruptive. This variant has not been reported in the literature in individuals affected with IRF4-related conditions. This variant is present in population databases (rs752393433, gnomAD 0.004%). This sequence change replaces glutamic acid, which is acidic and polar, with lysine, which is basic and polar, at codon 272 of the IRF4 protein (p.Glu272Lys).

NM_002460.4(IRF4):c.814G>A (p.Glu272Lys)

Gene: IRF4 (interferon regulatory factor 4; plus strand). Cytogenetic location: 6p25.3.
Variant type: single nucleotide variant.
Coding change: c.814G>A on transcript NM_002460.4 (MANE Select); coding-DNA position 814, G replaced by A.
Protein change: p.Glu272Lys; replaces glutamic acid 272 with lysine.
Molecular consequence: missense variant. On other transcripts: non-coding transcript variant (1).
Genome position (GRCh38, 1-based): chr6:401,492, G>A. VCF-style: chr6-401492-G-A. GRCh37 (hg19) VCF-style: chr6-401492-G-A.
Other names: c.811G>A, p.Glu271Lys (NM_001195286.2); short protein forms E272K, E271K.
Identifiers: ClinVar variation 2796001 (VCV002796001.3), dbSNP rs752393433, ClinGen allele CA3612824.